The following is an entry in ClinVar:

ClinVar aggregate classification (germline): Uncertain significance (1 of 4 stars; one submission).

Conditions:
Imerslund-Grasbeck syndrome. Also called: ENTEROCYTE COBALAMIN MALABSORPTION; ENTEROCYTE INTRINSIC FACTOR RECEPTOR, DEFECT OF; PERNICIOUS ANEMIA, JUVENILE, DUE TO SELECTIVE INTESTINAL MALABSORPTION OF VITAMIN B12, WITH PROTEINURIA; Megaloblastic anemia due to inborn errors of metabolism; Imerslund-Gräsbeck syndrome. Identifiers: Orphanet 35858, MedGen C4551825, MONDO:0009853.

Allele frequency attached by ClinVar (database versions not stated): gnomAD exomes below 0.00001.
gnomAD v4.1: 1 of 1,599,212 alleles (0.000063%); highest among the groups gnomAD compares: Non-Finnish European, 0.000086%; no homozygotes.

Submission:

Labcorp Genetics (formerly Invitae), Labcorp
Classification: Uncertain significance for Imerslund-Grasbeck syndrome. Last evaluated: 2019-12-19. Review status: criteria provided, single submitter. Criteria: Invitae Variant Classification Sherloc (09022015). Collection method: clinical testing. Allele origin: germline.
Comment: This sequence change replaces cysteine with tyrosine at codon 376 of the CUBN protein (p.Cys376Tyr). The cysteine residue is highly conserved and there is a large physicochemical difference between cysteine and tyrosine. This variant has not been reported in the literature in individuals with CUBN-related conditions. In summary, the available evidence is currently insufficient to determine the role of this variant in disease. Therefore, it has been classified as a Variant of Uncertain Significance. Algorithms developed to predict the effect of missense changes on protein structure and function are either unavailable or do not agree on the potential impact of this missense change (SIFT: "Deleterious"; PolyPhen-2: "Probably Damaging"; Align-GVGD: "Class C0"). This variant is not present in population databases (ExAC no frequency).

NM_001081.4(CUBN):c.1127G>A (p.Cys376Tyr)

Gene: CUBN (cubilin; minus strand). Cytogenetic location: 10p13.
Variant type: single nucleotide variant.
Coding change: c.1127G>A on transcript NM_001081.4 (MANE Select); coding-DNA position 1127, G replaced by A.
Protein change: p.Cys376Tyr; replaces cysteine 376 with tyrosine.
Molecular consequence: missense variant.
Genome position (GRCh38, 1-based): chr10:17,105,560, C>T on the plus strand (G>A on the coding strand, the complement: CUBN is on the minus strand). VCF-style: chr10-17105560-C-T. GRCh37 (hg19) VCF-style: chr10-17147559-C-T.
Other names: short protein forms C376Y.
Identifiers: ClinVar variation 851667 (VCV000851667.10), dbSNP rs2131302483, ClinGen allele CA376163691.